The following is an entry in ClinVar:

ClinVar aggregate classification (germline): Benign/Likely benign. Review status: criteria provided, multiple submitters, no conflicts (2 of 4 stars). 5 submissions from 5 submitters: Benign (2); Likely benign (2). 1 of the submissions does not count toward it. Last evaluated 2025-12-30.

Conditions:
Neuropathy, hereditary sensory, type 1F. Also called: Hereditary sensory neuropathy type IF; HSN IF. Identifiers: Orphanet 36386, MedGen C3810194, MONDO:0014286, OMIM 615632.
ATL3-related disorder. Also called: ATL3-related condition.
Inborn genetic diseases. Identifiers: MedGen C0950123, MeSH D030342.

Allele frequency attached by ClinVar (database versions not stated): gnomAD exomes 0.00074 and 0.00179; ExAC 0.00079; ESP Exome Variant Server 0.00102; TOPMed 0.00111; gnomAD 0.00113; 1000 Genomes Project 0.00020; 1000 Genomes Project 30x 0.00031.

Submissions (5):

Labcorp Genetics (formerly Invitae), Labcorp
Classification: Likely benign for Neuropathy, hereditary sensory, type 1F. Last evaluated: 2025-12-30. Review status: criteria provided, single submitter. Criteria: Invitae Variant Classification Sherloc (09022015). Collection method: clinical testing. Allele origin: germline.

CeGaT Center for Human Genetics Tuebingen
Classification: Benign. Last evaluated: 2025-07-01. Review status: criteria provided, single submitter. Criteria: CeGaT Center For Human Genetics Tuebingen Variant Classification Criteria Version 2. Collection method: clinical testing. Allele origin: germline. Affected: yes. Observed: 4 variant alleles.
Comment: ATL3: BP4, BS1, BS2

Blueprint Genetics
Classification: Likely benign. Last evaluated: 2024-11-18. Review status: criteria provided, single submitter. Criteria: ACMG Guidelines, 2015. Collection method: clinical testing. Allele origin: germline.

Ambry Genetics
Classification: Benign for Inborn genetic diseases. Last evaluated: 2021-07-30. Review status: criteria provided, single submitter. Criteria: Ambry Variant Classification Scheme 2023. Collection method: clinical testing. Allele origin: germline.

PreventionGenetics, part of Exact Sciences
Classification: Likely benign for ATL3-related condition. Last evaluated: 2022-05-20. Review status: no assertion criteria provided. Collection method: clinical testing. Allele origin: germline. Not counted in ClinVar's aggregate classification.
Comment: This variant is classified as likely benign based on ACMG/AMP sequence variant interpretation guidelines (Richards et al. 2015 PMID: 25741868, with internal and published modifications).

NM_015459.5(ATL3):c.373G>A (p.Val125Ile)

Genes: ATL3 (atlastin GTPase 3; minus strand), LNCROPM (lncRNA regulator of PLAAT3 mediated phospholipid metabolism; plus strand). Cytogenetic location: 11q13.1.
Variant type: single nucleotide variant.
Coding change: c.373G>A on transcript NM_015459.5 (MANE Select); coding-DNA position 373, G replaced by A.
Protein change: p.Val125Ile; replaces valine 125 with isoleucine.
Molecular consequence: missense variant.
Genome position (GRCh38, 1-based): chr11:63,658,793, C>T on the plus strand (G>A on the coding strand, the complement: ATL3 is on the minus strand). VCF-style: chr11-63658793-C-T. GRCh37 (hg19) VCF-style: chr11-63426265-C-T.
Other names: c.319G>A, p.Val107Ile (NM_001290048.2); short protein forms V107I, V125I.
Identifiers: ClinVar variation 474838 (VCV000474838.42), dbSNP rs200918566, ClinGen allele CA6063823.